The following is an entry in ClinVar:

NM_004463.3(FGD1):c.692T>G (p.Val231Gly)

Gene: FGD1 (FYVE, RhoGEF and PH domain containing 1; minus strand). Cytogenetic location: Xp11.22.
Variant type: single nucleotide variant.
Coding change: c.692T>G on transcript NM_004463.3 (MANE Select); coding-DNA position 692, T replaced by G.
Protein change: p.Val231Gly; replaces valine 231 with glycine.
Molecular consequence: missense variant.
Genome position (GRCh38, 1-based): chrX:54,470,425, A>C on the plus strand (T>G on the coding strand, the complement: FGD1 is on the minus strand). VCF-style: chrX-54470425-A-C. GRCh37 (hg19) VCF-style: chrX-54496858-A-C.
Other names: short protein forms V231G.
Identifiers: ClinVar variation 2874880 (VCV002874880.3), dbSNP rs2522715310, ClinGen allele CA413249195.
Genomic context (GRCh38, chrX:54,470,425, plus strand): 5'-GGCTGCGAGGTTGGCTGTGGCAACATGACTGGCTCTGGGGGACCTGGGCTGGGGCCAGGG[A>C]CTGGTCTATCCGAGGCGACAATCACAGGCTCTCTGAGGTGGGTGGTGGACACACATGGAA-3'
Protein context (NP_004454.2, residues 221-241): EPVIVASDRP[Val231Gly]PGPSPGPPEP

ClinVar aggregate classification (germline): Uncertain significance (1 of 4 stars; one submission).

Submission:

Labcorp Genetics (formerly Invitae), Labcorp
Classification: Uncertain significance. Last evaluated: 2022-12-04. Review status: criteria provided, single submitter. Criteria: Invitae Variant Classification Sherloc (09022015). Collection method: clinical testing. Allele origin: germline.
Comment: In summary, the available evidence is currently insufficient to determine the role of this variant in disease. Therefore, it has been classified as a Variant of Uncertain Significance. Advanced modeling of protein sequence and biophysical properties (such as structural, functional, and spatial information, amino acid conservation, physicochemical variation, residue mobility, and thermodynamic stability) performed at Invitae indicates that this missense variant is not expected to disrupt FGD1 protein function. This variant has not been reported in the literature in individuals affected with FGD1-related conditions. This variant is not present in population databases (gnomAD no frequency). This sequence change replaces valine, which is neutral and non-polar, with glycine, which is neutral and non-polar, at codon 231 of the FGD1 protein (p.Val231Gly).